The following is an entry in ClinVar:

NM_021813.4(BACH2):c.1346C>T (p.Ser449Phe)

Gene: BACH2 (BACH transcriptional regulator 2; minus strand). Cytogenetic location: 6q15.
Variant type: single nucleotide variant.
Coding change: c.1346C>T on transcript NM_021813.4 (MANE Select); coding-DNA position 1346, C replaced by T.
Protein change: p.Ser449Phe; replaces serine 449 with phenylalanine.
Molecular consequence: missense variant.
Genome position (GRCh38, 1-based): chr6:89,950,760, G>A on the plus strand (C>T on the coding strand, the complement: BACH2 is on the minus strand). VCF-style: chr6-89950760-G-A. GRCh37 (hg19) VCF-style: chr6-90660479-G-A.
Other names: c.1346C>T, p.Ser449Phe (NM_001170794.2); short protein forms S449F.
Identifiers: ClinVar variation 1359383 (VCV001359383.6), dbSNP rs988017377, ClinGen allele CA143342172.
Genomic context (GRCh38, chr6:89,950,760, plus strand): 5'-CCCACCCACAGACCCTTTGGCACCGGCTCAGAGAGGTCTTTGTCCAAACTGCTCACCCCA[G>A]AATAAGAATGCACCGAGGTGCTCACTTGGTCACAAGCGCTGGAGGAGAAGATCACGCTCC-3'
Protein context (NP_068585.1, residues 439-459): DQVSTSVHSY[Ser449Phe]GVSSLDKDLS

ClinVar aggregate classification (germline): Uncertain significance (1 of 4 stars; one submission).

Allele frequency attached by ClinVar (database versions not stated): gnomAD exomes below 0.00001 and 0.00001; TOPMed below 0.00001.
gnomAD v4.1: 17 of 1,614,176 alleles (0.0011%); highest among the groups gnomAD compares: Non-Finnish European, 0.0014%; no homozygotes.

Submission:

Labcorp Genetics (formerly Invitae), Labcorp
Classification: Uncertain significance. Last evaluated: 2024-06-05. Review status: criteria provided, single submitter. Criteria: Invitae Variant Classification Sherloc (09022015). Collection method: clinical testing. Allele origin: germline.
Comment: This sequence change replaces serine, which is neutral and polar, with phenylalanine, which is neutral and non-polar, at codon 449 of the BACH2 protein (p.Ser449Phe). This variant is present in population databases (no rsID available, gnomAD 0.0009%). This variant has not been reported in the literature in individuals affected with BACH2-related conditions. ClinVar contains an entry for this variant (Variation ID: 1359383). Advanced modeling of protein sequence and biophysical properties (such as structural, functional, and spatial information, amino acid conservation, physicochemical variation, residue mobility, and thermodynamic stability) performed at Invitae indicates that this missense variant is not expected to disrupt BACH2 protein function with a negative predictive value of 80%. In summary, the available evidence is currently insufficient to determine the role of this variant in disease. Therefore, it has been classified as a Variant of Uncertain Significance.